The following is an entry in ClinVar:

ClinVar aggregate classification (germline): Conflicting classifications of pathogenicity. Review status: criteria provided, conflicting classifications (1 of 4 stars). 4 submissions from 4 submitters: Uncertain significance (2); Benign (1). 1 of the submissions does not count toward it. Last evaluated 2025-10-20.

Conditions:
Primary ciliary dyskinesia 3. Identifiers: Orphanet 244, MedGen C1837618, MONDO:0012085, OMIM 608644.
Primary ciliary dyskinesia. Also called: Ciliary dyskinesia. Identifiers: Orphanet 244, MedGen C0008780, MONDO:0016575, HP:0012265.

Allele frequency attached by ClinVar (database versions not stated): TOPMed 0.00002; gnomAD exomes 0.00003 and 0.00010; gnomAD 0.00004 and 0.00005; ExAC 0.00010.
gnomAD v4.1: 55 of 1,613,872 alleles (0.0034%); highest among the groups gnomAD compares: South Asian, 0.0022%; no homozygotes.

Submissions (4):

Labcorp Genetics (formerly Invitae), Labcorp
Classification: Benign for Primary ciliary dyskinesia. Last evaluated: 2025-10-20. Review status: criteria provided, single submitter. Criteria: Invitae Variant Classification Sherloc (09022015). Collection method: clinical testing. Allele origin: germline.

Myriad Genetics, Inc.
Classification: Uncertain significance for Primary ciliary dyskinesia 3. Last evaluated: 2025-07-21. Review status: criteria provided, single submitter. Criteria: Myriad Autosomal Dominant, Autosomal Recessive and X-Linked Classification Criteria (2023). Collection method: clinical testing. Allele origin: unknown.
Comment: NM_001369.2(DNAH5):c.5776G>A(E1926K) is a missense variant classified as a variant of uncertain significance in the context of primary ciliary dyskinesia, DNAH5-related. E1926K has not been observed in cases with relevant disease. Relevant functional assessments of this variant are not available in the literature. E1926K has been observed in referenced population frequency databases. In summary, there is insufficient evidence to classify NM_001369.2(DNAH5):c.5776G>A(E1926K) as pathogenic or benign. Please note: this variant was assessed in the context of healthy population screening.

Blueprint Genetics
Classification: Uncertain significance. Last evaluated: 2024-03-06. Review status: criteria provided, single submitter. Criteria: ACMG Guidelines, 2015. Collection method: clinical testing. Allele origin: germline.

Natera, Inc.
Classification: Uncertain significance for Primary ciliary dyskinesia. Last evaluated: 2021-03-09. Review status: no assertion criteria provided. Collection method: clinical testing. Allele origin: germline. Not counted in ClinVar's aggregate classification.

NM_001369.3(DNAH5):c.5776G>A (p.Glu1926Lys)

Gene: DNAH5 (dynein axonemal heavy chain 5; minus strand). Cytogenetic location: 5p15.2.
Variant type: single nucleotide variant.
Coding change: c.5776G>A on transcript NM_001369.3 (MANE Select); coding-DNA position 5776, G replaced by A.
Protein change: p.Glu1926Lys; replaces glutamic acid 1926 with lysine.
Molecular consequence: missense variant.
Genome position (GRCh38, 1-based): chr5:13,839,462, C>T on the plus strand (G>A on the coding strand, the complement: DNAH5 is on the minus strand). VCF-style: chr5-13839462-C-T. GRCh37 (hg19) VCF-style: chr5-13839571-C-T.
Other names: short protein forms E1926K.
Identifiers: ClinVar variation 651543 (VCV000651543.15), dbSNP rs771222700, ClinGen allele CA3203575.